The following is an entry in ClinVar:

NM_025132.4(WDR19):c.1294A>G (p.Ser432Gly)

Gene: WDR19 (WD repeat domain 19; plus strand). Cytogenetic location: 4p14.
Variant type: single nucleotide variant.
Coding change: c.1294A>G on transcript NM_025132.4 (MANE Select); coding-DNA position 1294, A replaced by G.
Protein change: p.Ser432Gly; replaces serine 432 with glycine.
Molecular consequence: missense variant.
Genome position (GRCh38, 1-based): chr4:39,217,178, A>G. VCF-style: chr4-39217178-A-G. GRCh37 (hg19) VCF-style: chr4-39218798-A-G.
Other names: c.814A>G, p.Ser272Gly (NM_001317924.2); c.1294A>G (NM_025132.3); short protein forms S272G, S432G.
Identifiers: ClinVar variation 1003014 (VCV001003014.12), dbSNP rs778750936, ClinGen allele CA2891816.

ClinVar aggregate classification (germline): Uncertain significance. Review status: criteria provided, multiple submitters, no conflicts (2 of 4 stars). 3 submissions from 3 submitters: Uncertain significance (3). Last evaluated 2025-08-05.

Conditions:
Senior-Loken syndrome 8 (SLSN8). Identifiers: Orphanet 3156, MedGen C4225376, MONDO:0014579, OMIM 616307.
Asphyxiating thoracic dystrophy 5 (SRTD5). Also called: SHORT-RIB THORACIC DYSPLASIA 5 WITH OR WITHOUT POLYDACTYLY; SHORT-RIB THORACIC DYSPLASIA 5 WITHOUT POLYDACTYLY. Identifiers: Orphanet 474, MedGen C3280598, MONDO:0013717, OMIM 614376.
Inborn genetic diseases. Identifiers: MedGen C0950123, MeSH D030342.

Allele frequency attached by ClinVar (database versions not stated): ExAC 0.00001; gnomAD exomes 0.00001; gnomAD 0.00002; TOPMed 0.00003.
gnomAD v4.1: 12 of 1,609,222 alleles (0.00075%); highest among the groups gnomAD compares: Middle Eastern, 0.017%; no homozygotes.

Submissions (3):

Ambry Genetics
Classification: Uncertain significance for Inborn genetic diseases. Last evaluated: 2025-08-05. Review status: criteria provided, single submitter. Criteria: Ambry Variant Classification Scheme 2023. Collection method: clinical testing. Allele origin: germline.

Blueprint Genetics
Classification: Uncertain significance. Last evaluated: 2024-05-31. Review status: criteria provided, single submitter. Criteria: ACMG Guidelines, 2015. Collection method: clinical testing. Allele origin: germline.

Labcorp Genetics (formerly Invitae), Labcorp
Classification: Uncertain significance for Senior-Loken syndrome 8; Asphyxiating thoracic dystrophy 5. Last evaluated: 2022-03-12. Review status: criteria provided, single submitter. Criteria: Invitae Variant Classification Sherloc (09022015). Collection method: clinical testing. Allele origin: germline.
Comment: This sequence change replaces serine, which is neutral and polar, with glycine, which is neutral and non-polar, at codon 432 of the WDR19 protein (p.Ser432Gly). The frequency data for this variant in the population databases is considered unreliable, as metrics indicate poor data quality at this position in the gnomAD database. This variant has not been reported in the literature in individuals affected with WDR19-related conditions. ClinVar contains an entry for this variant (Variation ID: 1003014). Algorithms developed to predict the effect of missense changes on protein structure and function (SIFT, PolyPhen-2, Align-GVGD) all suggest that this variant is likely to be tolerated. In summary, the available evidence is currently insufficient to determine the role of this variant in disease. Therefore, it has been classified as a Variant of Uncertain Significance.